The following is an entry in ClinVar:

ClinVar aggregate classification (germline): Conflicting classifications of pathogenicity. Review status: criteria provided, conflicting classifications (1 of 4 stars). 2 submissions from 2 submitters: Uncertain significance (1); Likely benign (1). Last evaluated 2018-01-13.

Conditions:
Hyperuricemia, pulmonary hypertension, renal failure, alkalosis syndrome (HUPRAS). Also called: HYPERURICEMIA, PULMONARY HYPERTENSION, RENAL FAILURE, AND ALKALOSIS SYNDROME; HUPRA SYNDROME. Identifiers: Orphanet 363694, MedGen C3151209, MONDO:0013458, OMIM 613845.

Allele frequency attached by ClinVar (database versions not stated): TOPMed 0.00001.
gnomAD v4.1: 24 of 1,614,034 alleles (0.0015%); highest among the groups gnomAD compares: South Asian, 0.0066%; no homozygotes.

Submissions (2):

Illumina Laboratory Services, Illumina
Classification: Uncertain significance for Hyperuricemia, pulmonary hypertension, renal failure, alkalosis syndrome. Last evaluated: 2018-01-13. Review status: criteria provided, single submitter. Criteria: ICSL Variant Classification Criteria 13 December 2019. Collection method: clinical testing. Allele origin: germline.

GeneDx
Classification: Likely benign. Last evaluated: 2014-08-12. Review status: criteria provided, single submitter. Criteria: GeneDx Variant Classification (06012015). Collection method: clinical testing. Allele origin: germline. Affected: yes.
Comment: This variant is considered likely benign or benign based on one or more of the following criteria: it is a conservative change, it occurs at a poorly conserved position in the protein, it is predicted to be benign by multiple in silico algorithms, and/or has population frequency not consistent with disease.

NM_017827.4(SARS2):c.91A>G (p.Arg31Gly)

Genes: SARS2 (seryl-tRNA synthetase 2, mitochondrial; minus strand), LOC130064387 (ATAC-STARR-seq lymphoblastoid active region 14604; plus strand). Cytogenetic location: 19q13.2.
Variant type: single nucleotide variant.
Coding change: c.91A>G on transcript NM_017827.4 (MANE Select); coding-DNA position 91, A replaced by G.
Protein change: p.Arg31Gly; replaces arginine 31 with glycine.
Molecular consequence: missense variant.
Genome position (GRCh38, 1-based): chr19:38,930,646, T>C on the plus strand (A>G on the coding strand, the complement: SARS2 is on the minus strand). VCF-style: chr19-38930646-T-C. GRCh37 (hg19) VCF-style: chr19-39421286-T-C.
Other names: p.R31G:AGG>GGG; c.91A>G, p.Arg31Gly (NM_001145901.2); short protein forms R31G.
Identifiers: ClinVar variation 215104 (VCV000215104.5), dbSNP rs138274440, ClinGen allele CA320137.
Genomic context (GRCh38, chr19:38,930,646, plus strand): 5'-CCTCGCGCGCATACTCGTACAGGAGGTTCCGGTTTCGTTTCTCTGTAGTGAAACTTCTCC[T>C]TGGACTATCGTTGGAGATGCAGCCTCCCCGGGGCCGGAACCCCCGACGAGTCAGCAAAGG-3'
Protein context (NP_060297.1, residues 21-41): RGGCISNDSP[Arg31Gly]RSFTTEKRNR